The following is an entry in ClinVar:

NM_000169.3(GLA):c.639G>A (p.Lys213=)

Genes: GLA (galactosidase alpha; minus strand), RPL36A-HNRNPH2 (RPL36A-HNRNPH2 readthrough; plus strand). Cytogenetic location: Xq22.1.
Variant type: single nucleotide variant.
Coding change: c.639G>A on transcript NM_000169.3 (MANE Select); coding-DNA position 639, G replaced by A.
Protein change: p.Lys213=; no amino-acid change (lysine 213 retained).
Molecular consequence: synonymous variant. On other transcripts: non-coding transcript variant (2), intron variant (2).
Genome position (GRCh38, 1-based): chrX:101,400,666, C>T on the plus strand (G>A on the coding strand, the complement: GLA is on the minus strand). VCF-style: chrX-101400666-C-T. GRCh37 (hg19) VCF-style: chrX-100655654-C-T.
Other names: c.762G>A, p.Lys254= (NM_001406747.1); c.639G>A, p.Lys213= (NM_001406748.1); c.300+5209C>T (NM_001199973.2); c.177+8844C>T (NM_001199974.2).
Identifiers: ClinVar variation 928734 (VCV000928734.2), dbSNP rs1928277930, ClinGen allele CA517520353.

ClinVar aggregate classification (germline): Uncertain significance (1 of 4 stars; one submission).

Submission:

Women's Health and Genetics/Laboratory Corporation of America, LabCorp
Classification: Uncertain significance. Last evaluated: 2021-07-02. Review status: criteria provided, single submitter. Criteria: LabCorp Variant Classification Summary - May 2015. Collection method: clinical testing. Allele origin: germline.
Comment: Variant summary: GLA c.639G>A (p.Lys213Lys) alters a conserved nucleotide located close to a canonical splice site and therefore could affect mRNA splicing, leading to a significantly altered protein sequence. Several computational tools predict a significant impact on normal splicing: Three predict the variant weakens a 5' donor site. Two predict the variant abolishes a 5' splicing donor site. Two predict the variant abolishes a 3' acceptor site. However, these predictions have yet to be confirmed by functional studies. The variant was absent in 179337 control chromosomes. The available data on variant occurrences in the general population are insufficient to allow any conclusion about variant significance. To our knowledge, no occurrence of c.639G>A in individuals affected with Fabry Disease and no experimental evidence demonstrating its impact on protein function have been reported. No clinical diagnostic laboratories have submitted clinical-significance assessments for this variant to ClinVar after 2014. Based on the evidence outlined above, the variant was classified as VUS - possibly pathogenic.